The following is an entry in ClinVar:

NM_000038.6(APC):c.2787T>C (p.His929=)

Gene: APC (APC regulator of Wnt signaling pathway; plus strand). Cytogenetic location: 5q22.2.
Variant type: single nucleotide variant.
Coding change: c.2787T>C on transcript NM_000038.6 (MANE Select); coding-DNA position 2787, T replaced by C.
Protein change: p.His929=; no amino-acid change (histidine 929 retained).
Molecular consequence: synonymous variant.
Genome position (GRCh38, 1-based): chr5:112,838,381, T>C. VCF-style: chr5-112838381-T-C. GRCh37 (hg19) VCF-style: chr5-112174078-T-C.
Other names: c.2787T>C (NM_000038.5); c.2787T>C, p.His929= (NM_001127510.3, NM_001354895.2); c.2733T>C, p.His911= (NM_001127511.3); c.2841T>C, p.His947= (NM_001354896.2); c.2817T>C, p.His939= (NM_001354897.2); c.2712T>C, p.His904= (NM_001354898.2); c.2703T>C, p.His901= (NM_001354899.2); c.2664T>C, p.His888= (NM_001354900.2); and 6 more.
Identifiers: ClinVar variation 1083162 (VCV001083162.12), dbSNP rs1476420580, ClinGen allele CA445962880.

ClinVar aggregate classification (germline): Benign/Likely benign. Review status: criteria provided, multiple submitters, no conflicts (2 of 4 stars). 3 submissions from 3 submitters: Benign (1); Likely benign (2). Last evaluated 2025-06-25.

Conditions:
Hereditary cancer-predisposing syndrome. Also called: Hereditary Cancer Syndrome; Neoplastic Syndromes, Hereditary; Tumor predisposition; Hereditary neoplastic syndrome. Identifiers: Orphanet 140162, MedGen C0027672, MeSH D009386, MONDO:0015356.
Familial adenomatous polyposis 1 (FAP1). Also called: FAMILIAL ADENOMATOUS POLYPOSIS 1, ATTENUATED; POLYPOSIS, ADENOMATOUS INTESTINAL. Identifiers: MedGen C2713442, MONDO:0021056, OMIM 175100. Disease mechanism: loss of function.

Allele frequency attached by ClinVar (database versions not stated): gnomAD exomes below 0.00001; TOPMed below 0.00001.
gnomAD v4.1: 1 of 1,614,200 alleles (0.000062%); highest among the groups gnomAD compares: Admixed American, 0.0017%; no homozygotes.

Submissions (3):

Ambry Genetics
Classification: Likely benign for Hereditary cancer-predisposing syndrome. Last evaluated: 2025-06-25. Review status: criteria provided, single submitter. Criteria: Ambry Variant Classification Scheme 2023. Collection method: clinical testing. Allele origin: germline.

Labcorp Genetics (formerly Invitae), Labcorp
Classification: Likely benign for Familial adenomatous polyposis 1. Last evaluated: 2025-01-15. Review status: criteria provided, single submitter. Criteria: Invitae Variant Classification Sherloc (09022015). Collection method: clinical testing. Allele origin: germline.

Myriad Genetics, Inc.
Classification: Benign for Familial adenomatous polyposis 1. Last evaluated: 2024-03-15. Review status: criteria provided, single submitter. Criteria: Myriad Autosomal Dominant, Autosomal Recessive and X-Linked Classification Criteria (2023). Collection method: clinical testing. Allele origin: unknown.
Comment: This variant is considered benign. This variant is a silent/synonymous amino acid change and it is not expected to impact splicing.